The following is an entry in ClinVar:

NM_000023.4(SGCA):c.869C>T (p.Ala290Val)

Gene: SGCA (sarcoglycan alpha; plus strand). Cytogenetic location: 17q21.33.
Variant type: single nucleotide variant.
Coding change: c.869C>T on transcript NM_000023.4 (MANE Select); coding-DNA position 869, C replaced by T.
Protein change: p.Ala290Val; replaces alanine 290 with valine.
Molecular consequence: missense variant. On other transcripts: intron variant (1).
Genome position (GRCh38, 1-based): chr17:50,170,264, C>T. VCF-style: chr17-50170264-C-T. GRCh37 (hg19) VCF-style: chr17-48247625-C-T.
Other names: c.585-376C>T (NM_001135697.3); short protein forms A290V.
Identifiers: ClinVar variation 864731 (VCV000864731.5), dbSNP rs373312721, ClinGen allele CA8643933.

ClinVar aggregate classification (germline): Uncertain significance. Review status: criteria provided, multiple submitters, no conflicts (2 of 4 stars). 3 submissions from 3 submitters: Uncertain significance (2). 1 of the submissions does not count toward it. Last evaluated 2023-06-12.

Conditions:
Inborn genetic diseases. Identifiers: MedGen C0950123, MeSH D030342.
Autosomal recessive limb-girdle muscular dystrophy type 2D (LGMDR3). Also called: MUSCULAR DYSTROPHY, LIMB-GIRDLE, AUTOSOMAL RECESSIVE 3; DUCHENNE-LIKE AUTOSOMAL RECESSIVE MUSCULAR DYSTROPHY, TYPE 2; ADHALINOPATHY, PRIMARY. Identifiers: Orphanet 62, MedGen C2936332, MONDO:0011968, OMIM 608099. Disease mechanism: Affects gamma-sarcoglycan and also disrupts the integrity of the entire sarcoglycan complex..

Allele frequency attached by ClinVar (database versions not stated): gnomAD exomes 0.00001 and 0.00002; ExAC 0.00002; TOPMed 0.00003; gnomAD 0.00004; ESP Exome Variant Server 0.00008.
gnomAD v4.1: 41 of 1,614,088 alleles (0.0025%); highest among the groups gnomAD compares: Non-Finnish European, 0.0035%; no homozygotes.

Submissions (3):

Ambry Genetics
Classification: Uncertain significance for Inborn genetic diseases. Last evaluated: 2023-06-12. Review status: criteria provided, single submitter. Criteria: Ambry Variant Classification Scheme 2023. Collection method: clinical testing. Allele origin: germline.

Labcorp Genetics (formerly Invitae), Labcorp
Classification: Uncertain significance for Autosomal recessive limb-girdle muscular dystrophy type 2D. Last evaluated: 2022-08-16. Review status: criteria provided, single submitter. Criteria: Invitae Variant Classification Sherloc (09022015). Collection method: clinical testing. Allele origin: germline.
Comment: This sequence change replaces alanine, which is neutral and non-polar, with valine, which is neutral and non-polar, at codon 290 of the SGCA protein (p.Ala290Val). This variant is present in population databases (rs373312721, gnomAD 0.003%). This variant has not been reported in the literature in individuals affected with SGCA-related conditions. ClinVar contains an entry for this variant (Variation ID: 864731). Advanced modeling of protein sequence and biophysical properties (such as structural, functional, and spatial information, amino acid conservation, physicochemical variation, residue mobility, and thermodynamic stability) performed at Invitae indicates that this missense variant is expected to disrupt SGCA protein function. In summary, the available evidence is currently insufficient to determine the role of this variant in disease. Therefore, it has been classified as a Variant of Uncertain Significance.

Natera, Inc.
Classification: Uncertain significance for Limb-girdle muscular dystrophy type 2D. Last evaluated: 2020-09-16. Review status: no assertion criteria provided. Collection method: clinical testing. Allele origin: germline. Not counted in ClinVar's aggregate classification.